The following is an entry in ClinVar:

ClinVar aggregate classification (germline): Uncertain significance (1 of 4 stars; one submission).

Conditions:
Autoimmune interstitial lung disease-arthritis syndrome. Also called: Autoinflammation and autoimmunity, systemic, with immune dysregulation. Identifiers: Orphanet 444092, MedGen C5975714, MONDO:0014629.

gnomAD v4.1: 2 of 1,614,188 alleles (0.00012%); highest among the groups gnomAD compares: Non-Finnish European, 0.00017%; no homozygotes.

Submission:

Labcorp Genetics (formerly Invitae), Labcorp
Classification: Uncertain significance for Autoimmune interstitial lung disease-arthritis syndrome. Last evaluated: 2022-07-06. Review status: criteria provided, single submitter. Criteria: Invitae Variant Classification Sherloc (09022015). Collection method: clinical testing. Allele origin: germline.
Comment: This sequence change replaces proline, which is neutral and non-polar, with serine, which is neutral and polar, at codon 587 of the COPA protein (p.Pro587Ser). This variant is not present in population databases (gnomAD no frequency). In summary, the available evidence is currently insufficient to determine the role of this variant in disease. Therefore, it has been classified as a Variant of Uncertain Significance. Advanced modeling of protein sequence and biophysical properties (such as structural, functional, and spatial information, amino acid conservation, physicochemical variation, residue mobility, and thermodynamic stability) performed at Invitae indicates that this missense variant is not expected to disrupt COPA protein function. ClinVar contains an entry for this variant (Variation ID: 1433052). This variant has not been reported in the literature in individuals affected with COPA-related conditions.

NM_004371.4(COPA):c.1759C>T (p.Pro587Ser)

Gene: COPA (coat protein complex I subunit alpha; minus strand). Cytogenetic location: 1q23.2.
Variant type: single nucleotide variant.
Coding change: c.1759C>T on transcript NM_004371.4 (MANE Select); coding-DNA position 1759, C replaced by T.
Protein change: p.Pro587Ser; replaces proline 587 with serine.
Molecular consequence: missense variant.
Genome position (GRCh38, 1-based): chr1:160,299,173, G>A on the plus strand (C>T on the coding strand, the complement: COPA is on the minus strand). VCF-style: chr1-160299173-G-A. GRCh37 (hg19) VCF-style: chr1-160268963-G-A.
Other names: c.1786C>T, p.Pro596Ser (NM_001098398.2); short protein forms P596S, P587S.
Identifiers: ClinVar variation 1433052 (VCV001433052.6), dbSNP rs1272309771, ClinGen allele CA343280902.